The following is an entry in ClinVar:

ClinVar aggregate classification (germline): Benign (0 of 4 stars; one submission).

Conditions:
EPPK1-related disorder. Also called: EPPK1-related condition.

Allele frequency attached by ClinVar (database versions not stated): ExAC 0.00390; gnomAD 0.01336; 1000 Genomes Project 0.01338; 1000 Genomes Project 30x 0.01390; ESP Exome Variant Server 0.01454; TOPMed 0.01506.
gnomAD v4.1: 4,161 of 1,613,572 alleles (0.26%); highest among the groups gnomAD compares: African/African-American, 4.7%; 94 homozygotes.

Submission:

PreventionGenetics, part of Exact Sciences
Classification: Benign for EPPK1-related condition. Last evaluated: 2021-04-14. Review status: no assertion criteria provided. Collection method: clinical testing. Allele origin: germline.
Comment: This variant is classified as benign based on ACMG/AMP sequence variant interpretation guidelines (Richards et al. 2015 PMID: 25741868, with internal and published modifications).

NM_031308.4(EPPK1):c.5325C>T (p.His1775=)

Gene: EPPK1 (epiplakin 1; minus strand). Cytogenetic location: 8q24.3.
Variant type: single nucleotide variant.
Coding change: c.5325C>T on transcript NM_031308.4 (MANE Select); coding-DNA position 5325, C replaced by T.
Protein change: p.His1775=; no amino-acid change (histidine 1775 retained).
Molecular consequence: synonymous variant.
Genome position (GRCh38, 1-based): chr8:143,867,929, G>A on the plus strand (C>T on the coding strand, the complement: EPPK1 is on the minus strand). VCF-style: chr8-143867929-G-A. GRCh37 (hg19) VCF-style: chr8-144942097-G-A.
Identifiers: ClinVar variation 3035796 (VCV003035796.2), dbSNP rs73375119, ClinGen allele CA4922168.